The following is an entry in ClinVar:

ClinVar aggregate classification (germline): Uncertain significance (1 of 4 stars; one submission).

Submission:

Labcorp Genetics (formerly Invitae), Labcorp
Classification: Uncertain significance. Last evaluated: 2022-06-20. Review status: criteria provided, single submitter. Criteria: Invitae Variant Classification Sherloc (09022015). Collection method: clinical testing. Allele origin: germline.
Comment: This variant is not present in population databases (gnomAD no frequency). This sequence change replaces arginine, which is basic and polar, with leucine, which is neutral and non-polar, at codon 93 of the JAK1 protein (p.Arg93Leu). In summary, the available evidence is currently insufficient to determine the role of this variant in disease. Therefore, it has been classified as a Variant of Uncertain Significance. Algorithms developed to predict the effect of missense changes on protein structure and function are either unavailable or do not agree on the potential impact of this missense change (SIFT: "Not Available"; PolyPhen-2: "Benign"; Align-GVGD: "Not Available"). This variant has not been reported in the literature in individuals affected with JAK1-related conditions.

NM_002227.4(JAK1):c.278G>T (p.Arg93Leu)

Gene: JAK1 (Janus kinase 1; minus strand). Cytogenetic location: 1p31.3.
Variant type: single nucleotide variant.
Coding change: c.278G>T on transcript NM_002227.4 (MANE Select); coding-DNA position 278, G replaced by T.
Protein change: p.Arg93Leu; replaces arginine 93 with leucine.
Molecular consequence: missense variant.
Genome position (GRCh38, 1-based): chr1:64,879,076, C>A on the plus strand (G>T on the coding strand, the complement: JAK1 is on the minus strand). VCF-style: chr1-64879076-C-A. GRCh37 (hg19) VCF-style: chr1-65344759-C-A.
Other names: c.278G>T, p.Arg93Leu (NM_001320923.2, NM_001321852.2, NM_001321853.2 and 4 more transcripts); short protein forms R93L.
Identifiers: ClinVar variation 1515086 (VCV001515086.8), dbSNP rs1644728239, ClinGen allele CA340678932.